The following is an entry in ClinVar:

ClinVar aggregate classification (germline): Uncertain significance. Review status: criteria provided, multiple submitters, no conflicts (2 of 4 stars). 2 submissions from 2 submitters: Uncertain significance (2). Last evaluated 2024-07-08.

Allele frequency attached by ClinVar (database versions not stated): TOPMed below 0.00001; gnomAD 0.00001.

Submissions (2):

Blueprint Genetics
Classification: Uncertain significance. Last evaluated: 2024-07-08. Review status: criteria provided, single submitter. Criteria: ACMG Guidelines, 2015. Collection method: clinical testing. Allele origin: germline.

Labcorp Genetics (formerly Invitae), Labcorp
Classification: Uncertain significance. Last evaluated: 2023-11-19. Review status: criteria provided, single submitter. Criteria: Invitae Variant Classification Sherloc (09022015). Collection method: clinical testing. Allele origin: germline.
Comment: This sequence change replaces proline, which is neutral and non-polar, with leucine, which is neutral and non-polar, at codon 377 of the TOPORS protein (p.Pro377Leu). This variant is not present in population databases (gnomAD no frequency). This variant has not been reported in the literature in individuals affected with TOPORS-related conditions. ClinVar contains an entry for this variant (Variation ID: 1052082). An algorithm developed to predict the effect of missense changes on protein structure and function (PolyPhen-2) suggests that this variant is likely to be disruptive. In summary, the available evidence is currently insufficient to determine the role of this variant in disease. Therefore, it has been classified as a Variant of Uncertain Significance.

NM_005802.5(TOPORS):c.1130C>T (p.Pro377Leu)

Gene: TOPORS (TOP1 binding arginine/serine rich protein, E3 ubiquitin ligase; minus strand). Cytogenetic location: 9p21.1.
Variant type: single nucleotide variant.
Coding change: c.1130C>T on transcript NM_005802.5 (MANE Select); coding-DNA position 1130, C replaced by T.
Protein change: p.Pro377Leu; replaces proline 377 with leucine.
Molecular consequence: missense variant.
Genome position (GRCh38, 1-based): chr9:32,543,395, G>A on the plus strand (C>T on the coding strand, the complement: TOPORS is on the minus strand). VCF-style: chr9-32543395-G-A. GRCh37 (hg19) VCF-style: chr9-32543393-G-A.
Other names: c.935C>T, p.Pro312Leu (NM_001195622.2); short protein forms P312L, P377L.
Identifiers: ClinVar variation 1052082 (VCV001052082.10), dbSNP rs1821100376, ClinGen allele CA373171101.